The following is an entry in ClinVar:

ClinVar aggregate classification (germline): Uncertain significance (1 of 4 stars; one submission).

Submission:

Labcorp Genetics (formerly Invitae), Labcorp
Classification: Uncertain significance. Last evaluated: 2022-03-13. Review status: criteria provided, single submitter. Criteria: Invitae Variant Classification Sherloc (09022015). Collection method: clinical testing. Allele origin: germline.
Comment: This sequence change replaces phenylalanine, which is neutral and non-polar, with cysteine, which is neutral and slightly polar, at codon 2398 of the ACAN protein (p.Phe2398Cys). In summary, the available evidence is currently insufficient to determine the role of this variant in disease. Therefore, it has been classified as a Variant of Uncertain Significance. Algorithms developed to predict the effect of missense changes on protein structure and function (SIFT, PolyPhen-2, Align-GVGD) all suggest that this variant is likely to be disruptive. This variant has not been reported in the literature in individuals affected with ACAN-related conditions. This variant is not present in population databases (gnomAD no frequency).

NM_001369268.1(ACAN):c.7307T>G (p.Phe2436Cys)

Gene: ACAN (aggrecan; plus strand). Cytogenetic location: 15q26.1.
Variant type: single nucleotide variant.
Coding change: c.7307T>G on transcript NM_001369268.1 (MANE Select); coding-DNA position 7307, T replaced by G.
Protein change: p.Phe2436Cys; replaces phenylalanine 2436 with cysteine.
Molecular consequence: missense variant.
Genome position (GRCh38, 1-based): chr15:88,872,885, T>G. VCF-style: chr15-88872885-T-G. GRCh37 (hg19) VCF-style: chr15-89416116-T-G.
Other names: c.7079T>G, p.Phe2360Cys (NM_001135.4, NM_001411096.1); c.7193T>G, p.Phe2398Cys (NM_001411097.1, NM_013227.4); short protein forms F2436C, F2398C, F2360C.
Identifiers: ClinVar variation 2111042 (VCV002111042.4), dbSNP rs2505387678, ClinGen allele CA393730313.
Genomic context (GRCh38, chr15:88,872,885, plus strand): 5'-AGGCCAACCCGCACTGTCCTGCCCTCTCCTTACTCCTTCCCCACTCCCACCCACAGCAAT[T>G]TGAGAACTGGCGCCCCAACCAGCCTGACAACTTTTTTGCCGCTGGAGAGGACTGTGTGGT-3'
Protein context (NP_001356197.1, residues 2426-2446): FRWSDGHPMQ[Phe2436Cys]ENWRPNQPDN